The following is an entry in ClinVar:

NM_002519.3(NPAT):c.2014A>G (p.Ile672Val)

Gene: NPAT (nuclear protein, coactivator of histone transcription; minus strand). Cytogenetic location: 11q22.3.
Variant type: single nucleotide variant.
Coding change: c.2014A>G on transcript NM_002519.3 (MANE Select); coding-DNA position 2014, A replaced by G.
Protein change: p.Ile672Val; replaces isoleucine 672 with valine.
Molecular consequence: missense variant.
Genome position (GRCh38, 1-based): chr11:108,172,970, T>C on the plus strand (A>G on the coding strand, the complement: NPAT is on the minus strand). VCF-style: chr11-108172970-T-C. GRCh37 (hg19) VCF-style: chr11-108043697-T-C.
Other names: c.2014A>G, p.Ile672Val (NM_001321307.1); short protein forms I672V.
Identifiers: ClinVar variation 4709121 (VCV004709121.1).

ClinVar aggregate classification (germline): Uncertain significance (1 of 4 stars; one submission).

gnomAD v4.1: 64 of 1,614,088 alleles (0.004%); highest among the groups gnomAD compares: South Asian, 0.034%; no homozygotes.

Submission:

Labcorp Genetics (formerly Invitae), Labcorp
Classification: Uncertain significance. Last evaluated: 2026-01-22. Review status: criteria provided, single submitter. Criteria: Invitae Variant Classification Sherloc (09022015). Collection method: clinical testing. Allele origin: germline.
Comment: This sequence change replaces isoleucine, which is neutral and non-polar, with valine, which is neutral and non-polar, at codon 672 of the NPAT protein (p.Ile672Val). This variant is present in population databases (rs555159506, gnomAD 0.04%). This variant has not been reported in the literature in individuals affected with NPAT-related conditions. An algorithm developed to predict the effect of missense changes on protein structure and function outputs the following: PolyPhen-2: "Benign". The valine amino acid residue is found in multiple mammalian species, which suggests that this missense change does not adversely affect protein function. In summary, the available evidence is currently insufficient to determine the role of this variant in disease. Therefore, it has been classified as a Variant of Uncertain Significance.